The following is an entry in ClinVar:

ClinVar aggregate classification (germline): Pathogenic/Likely pathogenic. Review status: criteria provided, multiple submitters, no conflicts (2 of 4 stars). 3 submissions from 3 submitters: Pathogenic (1); Likely pathogenic (1). 1 of the submissions does not count toward it. Last evaluated 2025-09-10.

Conditions:
CFTR-related disorder (CFTR-RD). Also called: CFTR-related disorders; CFTR-related condition. Identifiers: MedGen C5924204, MONDO:7770004.
Cystic fibrosis (CF). Also called: MUCOVISCIDOSIS. Identifiers: Orphanet 586, MedGen C0010674, MONDO:0009061, OMIM 219700. Disease mechanism: loss of function.

Submissions (3):

Natera, Inc.
Classification: Pathogenic for CFTR-related disorders. Last evaluated: 2025-09-10. Review status: criteria provided, single submitter. Criteria: Natera Variant Classification Schema (03/2026). Collection method: clinical testing. Allele origin: germline.
Comment: The c.1210-1G>C variant in CFTR is a canonical splice acceptor site variant predicted to affect pre-mRNA splicing, which may result in an abnormal transcript and altered protein product. This variant is expected to result in nonsense mediated decay, truncation, or a dysfunctional protein product. This variant is rare in the general population with a frequency below the threshold expected for the associated phenotype(s). Another variant at this same site results in an alteration predicted to cause a similar molecular effect has been observed in individual(s) with the associated phenotype. Given the available evidence, this variant is classified as Pathogenic.

Institute of Human Genetics, University of Leipzig Medical Center
Classification: Likely pathogenic for Cystic fibrosis. Last evaluated: 2022-09-05. Review status: criteria provided, single submitter. Criteria: ACMG Guidelines, 2015. Collection method: curation. Allele origin: unknown. Affected: yes. Observed: 1 variant allele.
Comment: The variant was classified in the context of a project re-classifying variants in the German Cystic Fibrosis Registry (Muko.e.V.). Criteria applied: PS1_SUP, PM2_SUP, PM3, PM4, PP4

ClinVar Staff, National Center for Biotechnology Information (NCBI)
No classification provided. Condition: CFTR-related disorders. Review status: no classification provided. Collection method: literature only. Allele origin: germline. Affected: yes. Not counted in ClinVar's aggregate classification.

Literature cited by the submitters: PubMed 1376017 (cited by ClinVar Staff, National Center for Biotechnology Information (NCBI)).

NM_000492.4(CFTR):c.1210-1G>C

Genes: CFTR (CF transmembrane conductance regulator; plus strand), CFTR-AS1 (CFTR antisense RNA 1; minus strand). Cytogenetic location: 7q31.2.
Variant type: single nucleotide variant.
Coding change: c.1210-1G>C on transcript NM_000492.4 (MANE Select); the canonical splice acceptor site of the intron before coding-DNA position 1210, G replaced by C.
Molecular consequence: splice acceptor variant.
Genome position (GRCh38, 1-based): chr7:117,548,640, G>C. VCF-style: chr7-117548640-G-C. GRCh37 (hg19) VCF-style: chr7-117188694-G-C.
Other names: 1342-1G->C.
Identifiers: ClinVar variation 53217 (VCV000053217.3), dbSNP rs397508178, ClinGen allele CA326437.
Genomic context (GRCh38, chr7:117,548,640, plus strand): 5'-TCTGACAAACTCATCTTTTATTTTTGATGTGTGTGTGTGTGTGTGTGTGTTTTTTTAACA[G>C]GGATTTGGGGAATTATTTGAGAAAGCAAAACAAAACAATAACAATAGAAAAACTTCTAAT-3'